The following is an entry in ClinVar:

ClinVar aggregate classification (germline): Likely benign. Review status: criteria provided, multiple submitters, no conflicts (2 of 4 stars). 3 submissions from 3 submitters: Likely benign (3). Last evaluated 2022-09-01.

Conditions:
Inborn genetic diseases. Identifiers: MedGen C0950123, MeSH D030342.

Allele frequency attached by ClinVar (database versions not stated): ESP Exome Variant Server 0.00008.
gnomAD v4.1: 46 of 1,613,928 alleles (0.0029%); highest among the groups gnomAD compares: Non-Finnish European, 0.0038%; no homozygotes.

Submissions (3):

CeGaT Center for Human Genetics Tuebingen
Classification: Likely benign. Last evaluated: 2022-09-01. Review status: criteria provided, single submitter. Criteria: CeGaT Center For Human Genetics Tuebingen Variant Classification Criteria Version 2. Collection method: clinical testing. Allele origin: germline. Affected: yes. Observed: 1 variant allele.
Comment: NSD1: BP4, BS2

Labcorp Genetics (formerly Invitae), Labcorp
Classification: Likely benign. Last evaluated: 2022-02-23. Review status: criteria provided, single submitter. Criteria: Invitae Variant Classification Sherloc (09022015). Collection method: clinical testing. Allele origin: germline.

Ambry Genetics
Classification: Likely benign for Inborn genetic diseases. Last evaluated: 2019-12-30. Review status: criteria provided, single submitter. Criteria: Ambry Variant Classification Scheme 2023. Collection method: clinical testing. Allele origin: germline.

NM_022455.5(NSD1):c.3446A>C (p.Asn1149Thr)

Gene: NSD1 (nuclear receptor binding SET domain protein 1; plus strand). Cytogenetic location: 5q35.3.
Variant type: single nucleotide variant.
Coding change: c.3446A>C on transcript NM_022455.5 (MANE Select); coding-DNA position 3446, A replaced by C.
Protein change: p.Asn1149Thr; replaces asparagine 1149 with threonine.
Molecular consequence: missense variant.
Genome position (GRCh38, 1-based): chr5:177,211,845, A>C. VCF-style: chr5-177211845-A-C. GRCh37 (hg19) VCF-style: chr5-176638846-A-C.
Other names: c.2573A>C, p.Asn858Thr (NM_001365684.2, NM_001409306.1, NM_001409307.1 and 3 more transcripts); c.3446A>C, p.Asn1149Thr (NM_001409301.1, NM_001409302.1, NM_001409303.1); c.3026A>C, p.Asn1009Thr (NM_001409304.1); c.2693A>C, p.Asn898Thr (NM_001409305.1); short protein forms N1009T, N1149T, N858T, N880T, N898T.
Identifiers: ClinVar variation 1711618 (VCV001711618.35), dbSNP rs371411764, ClinGen allele CA3577437.